The following is an entry in ClinVar:

ClinVar aggregate classification (germline): Uncertain significance (1 of 4 stars; one submission).

Conditions:
Ehlers-Danlos syndrome, classic type, 1 (EDSCL1). Also called: EHLERS-DANLOS SYNDROME, GRAVIS TYPE; EHLERS-DANLOS SYNDROME, SEVERE CLASSIC TYPE; Ehlers-Danlos syndrome, type 1; Ehlers-Danlos Syndrome, Classic Type, COL5A1-Related; EDS I. Identifiers: MedGen C0268335, MONDO:0019567, OMIM 130000.

gnomAD v4.1: 1 of 1,613,574 alleles (0.000062%); highest among the groups gnomAD compares: African/African-American, 0.0013%; no homozygotes.

Submission:

Labcorp Genetics (formerly Invitae), Labcorp
Classification: Uncertain significance for Ehlers-Danlos syndrome, classic type, 1. Last evaluated: 2024-05-22. Review status: criteria provided, single submitter. Criteria: Invitae Variant Classification Sherloc (09022015). Collection method: clinical testing. Allele origin: germline.
Comment: This sequence change replaces threonine, which is neutral and polar, with serine, which is neutral and polar, at codon 1743 of the COL5A1 protein (p.Thr1743Ser). This variant is not present in population databases (gnomAD no frequency). This variant has not been reported in the literature in individuals affected with COL5A1-related conditions. Advanced modeling of protein sequence and biophysical properties (such as structural, functional, and spatial information, amino acid conservation, physicochemical variation, residue mobility, and thermodynamic stability) performed at Invitae indicates that this missense variant is not expected to disrupt COL5A1 protein function with a negative predictive value of 95%. In summary, the available evidence is currently insufficient to determine the role of this variant in disease. Therefore, it has been classified as a Variant of Uncertain Significance.

NM_000093.5(COL5A1):c.5228C>G (p.Thr1743Ser)

Genes: COL5A1 (collagen type V alpha 1 chain; plus strand), LOC101448202 (uncharacterized LOC101448202; minus strand). Cytogenetic location: 9q34.3.
Variant type: single nucleotide variant.
Coding change: c.5228C>G on transcript NM_000093.5 (MANE Select); coding-DNA position 5228, C replaced by G.
Protein change: p.Thr1743Ser; replaces threonine 1743 with serine.
Molecular consequence: missense variant.
Genome position (GRCh38, 1-based): chr9:134,835,062, C>G. VCF-style: chr9-134835062-C-G. GRCh37 (hg19) VCF-style: chr9-137726908-C-G.
Other names: c.5228C>G, p.Thr1743Ser (NM_001278074.1); short protein forms T1743S.
Identifiers: ClinVar variation 3603468 (VCV003603468.2).